The following is an entry in ClinVar:

NM_003327.4(TNFRSF4):c.14C>A (p.Ala5Asp)

Gene: TNFRSF4 (TNF receptor superfamily member 4; minus strand). Cytogenetic location: 1p36.33.
Variant type: single nucleotide variant.
Coding change: c.14C>A on transcript NM_003327.4 (MANE Select); coding-DNA position 14, C replaced by A.
Protein change: p.Ala5Asp; replaces alanine 5 with aspartic acid.
Molecular consequence: missense variant.
Genome position (GRCh38, 1-based): chr1:1,214,114, G>T on the plus strand (C>A on the coding strand, the complement: TNFRSF4 is on the minus strand). VCF-style: chr1-1214114-G-T. GRCh37 (hg19) VCF-style: chr1-1149494-G-T.
Other names: short protein forms A5D.
Identifiers: ClinVar variation 942872 (VCV000942872.10), dbSNP rs979161075, ClinGen allele CA16734099.

ClinVar aggregate classification (germline): Uncertain significance. Review status: criteria provided, multiple submitters, no conflicts (2 of 4 stars). 2 submissions from 2 submitters: Uncertain significance (2). Last evaluated 2025-06-15.

Conditions:
Combined immunodeficiency due to OX40 deficiency. Also called: OX40 DEFICIENCY; Immunodeficiency 16. Identifiers: Orphanet 431149, MedGen C3810053, MONDO:0014268, OMIM 615593.

Allele frequency attached by ClinVar (database versions not stated): gnomAD 0.00001; TOPMed 0.00002.

Submissions (2):

Labcorp Genetics (formerly Invitae), Labcorp
Classification: Uncertain significance for Combined immunodeficiency due to OX40 deficiency. Last evaluated: 2025-06-15. Review status: criteria provided, single submitter. Criteria: Invitae Variant Classification Sherloc (09022015). Collection method: clinical testing. Allele origin: germline.
Comment: This sequence change replaces alanine, which is neutral and non-polar, with aspartic acid, which is acidic and polar, at codon 5 of the TNFRSF4 protein (p.Ala5Asp). This variant is not present in population databases (gnomAD no frequency). This variant has not been reported in the literature in individuals affected with TNFRSF4-related conditions. ClinVar contains an entry for this variant (Variation ID: 942872). Experimental studies and prediction algorithms are not available or were not evaluated, and the functional significance of this variant is currently unknown. In summary, the available evidence is currently insufficient to determine the role of this variant in disease. Therefore, it has been classified as a Variant of Uncertain Significance.

Ambry Genetics
Classification: Uncertain significance. Last evaluated: 2024-11-24. Review status: criteria provided, single submitter. Criteria: Ambry Variant Classification Scheme 2023. Collection method: clinical testing. Allele origin: germline.